The following is an entry in ClinVar:

ClinVar aggregate classification (germline): Uncertain significance (1 of 4 stars; one submission).

Conditions:
Hereditary cancer-predisposing syndrome. Also called: Neoplastic Syndromes, Hereditary; Tumor predisposition; Hereditary Cancer Syndrome; Hereditary neoplastic syndrome. Identifiers: Orphanet 140162, MedGen C0027672, MeSH D009386, MONDO:0015356.

Allele frequency attached by ClinVar (database versions not stated): ExAC 0.00002.
gnomAD v4.1: 2 of 1,614,166 alleles (0.00012%); highest among the groups gnomAD compares: South Asian, 0.0022%; no homozygotes.

Submission:

Ambry Genetics
Classification: Uncertain significance for Hereditary cancer-predisposing syndrome. Last evaluated: 2023-09-21. Review status: criteria provided, single submitter. Criteria: Ambry Variant Classification Scheme 2023. Collection method: clinical testing. Allele origin: germline.
Comment: The p.A724V variant (also known as c.2171C>T), located in coding exon 4 of the MSH6 gene, results from a C to T substitution at nucleotide position 2171. The alanine at codon 724 is replaced by valine, an amino acid with similar properties. This amino acid position is highly conserved through mammals but not in all available vertebrate species. In addition, the in silico prediction for this alteration is inconclusive. In addition, the CoDP in silico tool predicts this alteration to have a minor impact on molecular function, with a score of 0.027 (Terui H et al. J. Biomed. Sci. 2013 Apr;20:25). Since supporting evidence is limited at this time, the clinical significance of this alteration remains unclear.

NM_000179.3(MSH6):c.2171C>T (p.Ala724Val)

Gene: MSH6 (mutS homolog 6; plus strand). Cytogenetic location: 2p16.3.
Variant type: single nucleotide variant.
Coding change: c.2171C>T on transcript NM_000179.3 (MANE Select); coding-DNA position 2171, C replaced by T.
Protein change: p.Ala724Val; replaces alanine 724 with valine.
Molecular consequence: missense variant.
Genome position (GRCh38, 1-based): chr2:47,800,154, C>T. VCF-style: chr2-47800154-C-T. GRCh37 (hg19) VCF-style: chr2-48027293-C-T.
Other names: c.1781C>T, p.Ala594Val (NM_001281492.2); c.1265C>T, p.Ala422Val (NM_001281493.2, NM_001281494.2, NM_001406811.1 and 6 more transcripts); c.2267C>T, p.Ala756Val (NM_001406795.1, NM_001406802.1); c.2171C>T, p.Ala724Val (NM_001406796.1, NM_001406798.1, NM_001406800.1 and 3 more transcripts); c.1874C>T, p.Ala625Val (NM_001406797.1, NM_001406801.1, NM_001406805.1 and 10 more transcripts); c.1646C>T, p.Ala549Val (NM_001406799.1, NM_001406806.1, NM_001406807.1); c.2093C>T, p.Ala698Val (NM_001406804.1); c.2177C>T, p.Ala726Val (NM_001406813.1); and 1 more; short protein forms A422V, A756V, A549V, A594V, A726V, A724V, A625V, A668V.
Identifiers: ClinVar variation 1787106 (VCV001787106.2), dbSNP rs587779922, ClinGen allele CA068539.